The following is an entry in ClinVar:

ClinVar aggregate classification (germline): Uncertain significance (1 of 4 stars; one submission).

Submission:

Labcorp Genetics (formerly Invitae), Labcorp
Classification: Uncertain significance. Last evaluated: 2021-05-07. Review status: criteria provided, single submitter. Criteria: Invitae Variant Classification Sherloc (09022015). Collection method: clinical testing. Allele origin: germline.
Comment: This sequence change replaces alanine with glycine at codon 478 of the PLTP protein (p.Ala478Gly). The alanine residue is moderately conserved and there is a small physicochemical difference between alanine and glycine. In summary, the available evidence is currently insufficient to determine the role of this variant in disease. Therefore, it has been classified as a Variant of Uncertain Significance. Algorithms developed to predict the effect of sequence changes on RNA splicing suggest that this variant may create or strengthen a splice site, but this prediction has not been confirmed by published transcriptional studies. Algorithms developed to predict the effect of missense changes on protein structure and function (SIFT, PolyPhen-2, Align-GVGD) all suggest that this variant is likely to be tolerated, but these predictions have not been confirmed by published functional studies and their clinical significance is uncertain. This variant has not been reported in the literature in individuals with PLTP-related conditions. This variant is not present in population databases (ExAC no frequency).

NM_006227.4(PLTP):c.1433C>G (p.Ala478Gly)

Gene: PLTP (phospholipid transfer protein; minus strand). Cytogenetic location: 20q13.12.
Variant type: single nucleotide variant.
Coding change: c.1433C>G on transcript NM_006227.4 (MANE Select); coding-DNA position 1433, C replaced by G.
Protein change: p.Ala478Gly; replaces alanine 478 with glycine.
Molecular consequence: missense variant.
Genome position (GRCh38, 1-based): chr20:45,898,990, G>C on the plus strand (C>G on the coding strand, the complement: PLTP is on the minus strand). VCF-style: chr20-45898990-G-C. GRCh37 (hg19) VCF-style: chr20-44527629-G-C.
Other names: c.1148C>G, p.Ala383Gly (NM_001242920.2); c.1169C>G, p.Ala390Gly (NM_001242921.1); c.1277C>G, p.Ala426Gly (NM_182676.3); short protein forms A383G, A426G, A478G, A390G.
Identifiers: ClinVar variation 1469684 (VCV001469684.8), dbSNP rs2145826459, ClinGen allele CA409254736.